The following is an entry in ClinVar:

ClinVar aggregate classification (germline): Uncertain significance (1 of 4 stars; one submission).

Submission:

Labcorp Genetics (formerly Invitae), Labcorp
Classification: Uncertain significance. Last evaluated: 2023-08-27. Review status: criteria provided, single submitter. Criteria: Invitae Variant Classification Sherloc (09022015). Collection method: clinical testing. Allele origin: germline.
Comment: This sequence change replaces alanine, which is neutral and non-polar, with proline, which is neutral and non-polar, at codon 538 of the SKIV2L protein (p.Ala538Pro). In summary, the available evidence is currently insufficient to determine the role of this variant in disease. Therefore, it has been classified as a Variant of Uncertain Significance. An algorithm developed to predict the effect of missense changes on protein structure and function (PolyPhen-2) suggests that this variant is likely to be tolerated. This variant has not been reported in the literature in individuals affected with SKIV2L-related conditions. This variant is not present in population databases (gnomAD no frequency).

NM_006929.5(SKIC2):c.1612G>C (p.Ala538Pro)

Gene: SKIC2 (SKI2 subunit of superkiller complex; plus strand). Cytogenetic location: 6p21.33.
Variant type: single nucleotide variant.
Coding change: c.1612G>C on transcript NM_006929.5 (MANE Select); coding-DNA position 1612, G replaced by C.
Protein change: p.Ala538Pro; replaces alanine 538 with proline.
Molecular consequence: missense variant.
Genome position (GRCh38, 1-based): chr6:31,963,698, G>C. VCF-style: chr6-31963698-G-C. GRCh37 (hg19) VCF-style: chr6-31931475-G-C.
Other names: short protein forms A538P.
Identifiers: ClinVar variation 2755350 (VCV002755350.3), dbSNP rs1229523583, ClinGen allele CA363459321.